The following is an entry in ClinVar:

ClinVar aggregate classification (germline): Uncertain significance (1 of 4 stars; one submission).

Conditions:
Familial adenomatous polyposis 1 (FAP1). Also called: FAMILIAL ADENOMATOUS POLYPOSIS 1, ATTENUATED; POLYPOSIS, ADENOMATOUS INTESTINAL. Identifiers: MedGen C2713442, MONDO:0021056, OMIM 175100. Disease mechanism: loss of function.

Submission:

Labcorp Genetics (formerly Invitae), Labcorp
Classification: Uncertain significance for Familial adenomatous polyposis 1. Last evaluated: 2023-04-22. Review status: criteria provided, single submitter. Criteria: Invitae Variant Classification Sherloc (09022015). Collection method: clinical testing. Allele origin: germline.
Comment: In summary, the available evidence is currently insufficient to determine the role of this variant in disease. Therefore, it has been classified as a Variant of Uncertain Significance. Experimental studies and prediction algorithms are not available or were not evaluated, and the functional significance of this variant is currently unknown. This variant has not been reported in the literature in individuals affected with APC-related conditions. This variant is not present in population databases (gnomAD no frequency). This variant occurs in a non-coding region of the APC gene. It does not change the encoded amino acid sequence of the APC protein.

NC_000005.10:g.112707445A>G

Gene: APC (APC regulator of Wnt signaling pathway; plus strand). Cytogenetic location: 5q22.2.
Variant type: single nucleotide variant.
Genome position: GRCh38 VCF-style: chr5-112707445-A-G. GRCh37 (hg19) VCF-style: chr5-112043142-A-G.
Identifiers: ClinVar variation 1011246 (VCV001011246.10), dbSNP rs1750562759, ClinGen allele CA1573442307.